The following is an entry in ClinVar:

NM_000051.4(ATM):c.-34A>G

Gene: ATM (ATM serine/threonine kinase; plus strand). Cytogenetic location: 11q22.3.
Variant type: single nucleotide variant.
Coding change: c.-34A>G on transcript NM_000051.4 (MANE Select); 34 bases upstream of the start codon, A replaced by G.
Molecular consequence: 5 prime UTR variant.
Genome position (GRCh38, 1-based): chr11:108,223,183, A>G. VCF-style: chr11-108223183-A-G. GRCh37 (hg19) VCF-style: chr11-108093910-A-G.
Other names: c.-122A>G (NM_001351834.2); c.-34A>G (NM_001351835.2).
Identifiers: ClinVar variation 422472 (VCV000422472.2), dbSNP rs563999137, ClinGen allele CA16619092.
Genomic context (GRCh38, chr11:108,223,183, plus strand): 5'-GAGTCGGGATCTGCGCTGCAGCCACCGCCGCGGTTGATACTACTTTGACCTTCCGAGTGC[A>G]GTGGTAGGGGCGCGGAGGCAACGCAGCGGCTTCTGCGCTGGGAAATTCAGTCGTGTGCGA-3'

ClinVar aggregate classification (germline): Uncertain significance (1 of 4 stars; one submission).

Allele frequency attached by ClinVar (database versions not stated): gnomAD below 0.00001 and 0.00003; gnomAD exomes 0.00007; 1000 Genomes Project 0.00020.
gnomAD v4.1: 6 of 166,152 alleles (0.0036%); highest among the groups gnomAD compares: South Asian, 0.077%; no homozygotes.

Submission:

GeneDx
Classification: Uncertain significance. Last evaluated: 2016-10-07. Review status: criteria provided, single submitter. Criteria: GeneDx Variant Classification (06012015). Collection method: clinical testing. Allele origin: germline. Affected: yes.
Comment: This variant is denoted ATM c.-34A>G and describes a nucleotide substitution 34 base pairs upstream of the ATG translational start site in the 5' untranslated region (UTR). The surrounding sequence, with the base that is substituted in braces, is GTGC[A/G]GTGG. This variant has not, to our knowledge, been published in the literature as pathogenic or benign. ATM c.-34A>G was not observed at significant allele frequency in 1000 Genomes. This variant does not appear to affect the start codon or the Kozak translational consensus sequence. The adenine (A) nucleotide that is altered is not conserved. Based on currently available information, it is unclear whether ATM c.-34A>G is pathogenic or benign. We consider it to be a variant of uncertain significance.